The following is an entry in ClinVar:

NM_007294.4(BRCA1):c.129T>C (p.Phe43=)

Gene: BRCA1 (BRCA1 DNA repair associated; minus strand). Cytogenetic location: 17q21.31.
Variant type: single nucleotide variant.
Coding change: c.129T>C on transcript NM_007294.4 (MANE Select); coding-DNA position 129, T replaced by C.
Protein change: p.Phe43=; no amino-acid change (phenylalanine 43 retained).
Molecular consequence: synonymous variant. On other transcripts: 5 prime UTR variant (132), intron variant (41).
Genome position (GRCh38, 1-based): chr17:43,115,731, A>G on the plus strand (T>C on the coding strand, the complement: BRCA1 is on the minus strand). VCF-style: chr17-43115731-A-G. GRCh37 (hg19) VCF-style: chr17-41267748-A-G.
Other names: c.-13T>C (NM_001407737.1, NM_001407739.1, NM_001407740.1 and 47 more transcripts); c.-129T>C (NM_001407746.1, NM_001407749.1, NM_001407842.1 and 13 more transcripts); c.-9T>C (NM_001407841.1); c.-60T>C (NM_001407853.1, NM_001407879.1, NM_001407882.1 and 52 more transcripts); c.129T>C, p.Phe43= (NM_001407854.1, NM_001407858.1, NM_001407859.1 and 192 more transcripts); c.-176T>C (NM_001407889.1, NM_001407900.1, NM_001408492.1); c.-175T>C (NM_001407960.1, NM_001407962.1, NM_001408510.1 and 1 more transcripts); c.-291T>C (NM_001407965.1); and 10 more.
Identifiers: ClinVar variation 867832 (VCV000867832.3), dbSNP rs2055245756, ClinGen allele CA500129977.

Conditions:
Breast-ovarian cancer, familial, susceptibility to, 1 (BROVCA1). Also called: BRCA1 Hereditary Breast and Ovarian Cancer; OVARIAN CANCER, SUSCEPTIBILITY TO. Identifiers: Orphanet 145, MedGen C2676676, MONDO:0011450, OMIM 604370. Disease mechanism: loss of function.

Submission:

Brotman Baty Institute, University of Washington
No classification provided (evidence only). Condition: Breast-ovarian cancer, familial 1. Review status: no classification provided. Collection method: in vitro. Allele origin: not applicable. Functional consequence: functionally_normal.
ClinVar note: "not provided" was previously submitted as the classification for the variant. However, the classification appeared to be based only on an observation of functional data so it was converted to no classification on 2025-07-30.